The following is an entry in ClinVar:

ClinVar aggregate classification (germline): Uncertain significance. Review status: criteria provided, multiple submitters, no conflicts (2 of 4 stars). 2 submissions from 2 submitters: Uncertain significance (2). Last evaluated 2025-03-15.

Conditions:
Hereditary cancer-predisposing syndrome. Also called: Hereditary neoplastic syndrome; Tumor predisposition; Neoplastic Syndromes, Hereditary; Hereditary Cancer Syndrome. Identifiers: Orphanet 140162, MedGen C0027672, MeSH D009386, MONDO:0015356.
Ataxia-telangiectasia syndrome (AT). Also called: Cerebello-oculocutaneous telangiectasia; ATAXIA-TELANGIECTASIA, COMPLEMENTATION GROUP A; ATAXIA-TELANGIECTASIA, FRESNO VARIANT; Ataxia-telangiectasia, complementation group D; AT, COMPLEMENTATION GROUP C; Immunodeficiency with ataxia telangiectasia. Identifiers: Orphanet 100, MedGen C0004135, MONDO:0008840, OMIM 208900.

Submissions (2):

Ambry Genetics
Classification: Uncertain significance for Hereditary cancer-predisposing syndrome. Last evaluated: 2025-03-15. Review status: criteria provided, single submitter. Criteria: Ambry Variant Classification Scheme 2023. Collection method: clinical testing. Allele origin: germline.
Comment: The p.K1196I variant (also known as c.3587A>T), located in coding exon 24 of the ATM gene, results from an A to T substitution at nucleotide position 3587. The lysine at codon 1196 is replaced by isoleucine, an amino acid with dissimilar properties. This amino acid position is conserved. In addition, this alteration is predicted to be tolerated by in silico analysis. Based on the available evidence, the clinical significance of this variant remains unclear.

Labcorp Genetics (formerly Invitae), Labcorp
Classification: Uncertain significance for Ataxia-telangiectasia syndrome. Last evaluated: 2022-09-23. Review status: criteria provided, single submitter. Criteria: Invitae Variant Classification Sherloc (09022015). Collection method: clinical testing. Allele origin: germline.
Comment: Algorithms developed to predict the effect of missense changes on protein structure and function (SIFT, PolyPhen-2, Align-GVGD) all suggest that this variant is likely to be tolerated. This variant has not been reported in the literature in individuals affected with ATM-related conditions. This variant is not present in population databases (gnomAD no frequency). This sequence change replaces lysine, which is basic and polar, with isoleucine, which is neutral and non-polar, at codon 1196 of the ATM protein (p.Lys1196Ile). In summary, the available evidence is currently insufficient to determine the role of this variant in disease. Therefore, it has been classified as a Variant of Uncertain Significance.

NM_000051.4(ATM):c.3587A>T (p.Lys1196Ile)

Gene: ATM (ATM serine/threonine kinase; plus strand). Cytogenetic location: 11q22.3.
Variant type: single nucleotide variant.
Coding change: c.3587A>T on transcript NM_000051.4 (MANE Select); coding-DNA position 3587, A replaced by T.
Protein change: p.Lys1196Ile; replaces lysine 1196 with isoleucine.
Molecular consequence: missense variant.
Genome position (GRCh38, 1-based): chr11:108,282,720, A>T. VCF-style: chr11-108282720-A-T. GRCh37 (hg19) VCF-style: chr11-108153447-A-T.
Other names: c.3587A>T, p.Lys1196Ile (NM_001351834.2); short protein forms K1196I.
Identifiers: ClinVar variation 1720254 (VCV001720254.6), dbSNP rs2546878809, ClinGen allele CA382522532.